The following is an entry in ClinVar:

NM_004655.4(AXIN2):c.1785G>A (p.Arg595=)

Gene: AXIN2 (axin 2; minus strand). Cytogenetic location: 17q24.1.
Variant type: single nucleotide variant.
Coding change: c.1785G>A on transcript NM_004655.4 (MANE Select); coding-DNA position 1785, G replaced by A.
Protein change: p.Arg595=; no amino-acid change (arginine 595 retained).
Molecular consequence: synonymous variant. On other transcripts: intron variant (1).
Genome position (GRCh38, 1-based): chr17:65,536,991, C>T on the plus strand (G>A on the coding strand, the complement: AXIN2 is on the minus strand). VCF-style: chr17-65536991-C-T. GRCh37 (hg19) VCF-style: chr17-63533109-C-T.
Other names: c.1712+333G>A (NM_001363813.1).
Identifiers: ClinVar variation 750112 (VCV000750112.14), dbSNP rs1313383874, ClinGen allele CA501691118.

ClinVar aggregate classification (germline): Benign/Likely benign. Review status: criteria provided, multiple submitters, no conflicts (2 of 4 stars). 4 submissions from 4 submitters: Benign (1); Likely benign (3). Last evaluated 2025-03-26.

Conditions:
Hereditary cancer-predisposing syndrome. Also called: Tumor predisposition; Hereditary neoplastic syndrome; Neoplastic Syndromes, Hereditary; Hereditary Cancer Syndrome. Identifiers: Orphanet 140162, MedGen C0027672, MeSH D009386, MONDO:0015356.
Oligodontia-cancer predisposition syndrome. Also called: TOOTH AGENESIS-COLORECTAL CANCER SYNDROME. Identifiers: Orphanet 300576, MedGen C1837750, MONDO:0012075, OMIM 608615. Disease mechanism: loss of function.

Allele frequency attached by ClinVar (database versions not stated): gnomAD 0.00001; TOPMed 0.00002.

Submissions (4):

Labcorp Genetics (formerly Invitae), Labcorp
Classification: Likely benign for Oligodontia-cancer predisposition syndrome. Last evaluated: 2025-03-26. Review status: criteria provided, single submitter. Criteria: Invitae Variant Classification Sherloc (09022015). Collection method: clinical testing. Allele origin: germline.

Myriad Genetics, Inc.
Classification: Benign for Oligodontia-cancer predisposition syndrome. Last evaluated: 2024-07-08. Review status: criteria provided, single submitter. Criteria: Myriad Autosomal Dominant, Autosomal Recessive and X-Linked Classification Criteria (2023). Collection method: clinical testing. Allele origin: unknown.
Comment: This variant is considered benign. This variant is a silent/synonymous amino acid change and it is not expected to impact splicing.

Ambry Genetics
Classification: Likely benign for Hereditary cancer-predisposing syndrome. Last evaluated: 2022-10-10. Review status: criteria provided, single submitter. Criteria: Ambry Variant Classification Scheme 2023. Collection method: clinical testing. Allele origin: germline.

GeneDx
Classification: Likely benign. Last evaluated: 2018-10-17. Review status: criteria provided, single submitter. Criteria: GeneDx Variant Classification Process June 2021. Collection method: clinical testing. Allele origin: germline. Affected: yes.